The following is an entry in ClinVar:

ClinVar aggregate classification (germline): Uncertain significance (1 of 4 stars; one submission).

Conditions:
Hereditary cancer-predisposing syndrome. Also called: Neoplastic Syndromes, Hereditary; Hereditary Cancer Syndrome; Hereditary neoplastic syndrome; Tumor predisposition. Identifiers: Orphanet 140162, MedGen C0027672, MeSH D009386, MONDO:0015356.

Submission:

Ambry Genetics
Classification: Uncertain significance for Hereditary cancer-predisposing syndrome. Last evaluated: 2023-04-01. Review status: criteria provided, single submitter. Criteria: Ambry Variant Classification Scheme 2023. Collection method: clinical testing. Allele origin: germline.
Comment: The p.L86P variant (also known as c.257T>C), located in coding exon 5 of the BAP1 gene, results from a T to C substitution at nucleotide position 257. The leucine at codon 86 is replaced by proline, an amino acid with similar properties. This amino acid position is conserved. In addition, this alteration is predicted to be deleterious by in silico analysis. Since supporting evidence is limited at this time, the clinical significance of this alteration remains unclear.

NM_004656.4(BAP1):c.257T>C (p.Leu86Pro)

Gene: BAP1 (BRCA1 associated deubiquitinase 1; minus strand). Cytogenetic location: 3p21.1.
Variant type: single nucleotide variant.
Coding change: c.257T>C on transcript NM_004656.4 (MANE Select); coding-DNA position 257, T replaced by C.
Protein change: p.Leu86Pro; replaces leucine 86 with proline.
Molecular consequence: missense variant.
Genome position (GRCh38, 1-based): chr3:52,408,076, A>G on the plus strand (T>C on the coding strand, the complement: BAP1 is on the minus strand). VCF-style: chr3-52408076-A-G. GRCh37 (hg19) VCF-style: chr3-52442092-A-G.
Other names: c.257T>C, p.Leu86Pro (NM_001410772.1); short protein forms L86P.
Identifiers: ClinVar variation 2565164 (VCV002565164.2), dbSNP rs2153228158, ClinGen allele CA353112755.
Genomic context (GRCh38, chr3:52,408,076, plus strand): 5'-ACGCTGCTGCAGTTCAGGAGCACGCTCAGCAAGGCATGAGTTGCACAAGAGTTGGGTATC[A>G]GCTGTGAAACCAAGAATAGTCACCCATACACAGCACCCCTCACTGCAAGCCCCAAGCCCA-3'
Protein context (NP_004647.1, residues 76-96): IVNNMFFAHQ[Leu86Pro]IPNSCATHAL